The following is an entry in ClinVar:

NM_001966.4(EHHADH):c.1826T>C (p.Ile609Thr)

Gene: EHHADH (enoyl-CoA hydratase and 3-hydroxyacyl CoA dehydrogenase; minus strand). Cytogenetic location: 3q27.2.
Variant type: single nucleotide variant.
Coding change: c.1826T>C on transcript NM_001966.4 (MANE Select); coding-DNA position 1826, T replaced by C.
Protein change: p.Ile609Thr; replaces isoleucine 609 with threonine.
Molecular consequence: missense variant.
Genome position (GRCh38, 1-based): chr3:185,192,572, A>G on the plus strand (T>C on the coding strand, the complement: EHHADH is on the minus strand). VCF-style: chr3-185192572-A-G. GRCh37 (hg19) VCF-style: chr3-184910360-A-G.
Other names: c.1538T>C, p.Ile513Thr (NM_001166415.2); short protein forms I609T, I513T.
Identifiers: ClinVar variation 4983821 (VCV004983821.1).
Genomic context (GRCh38, chr3:185,192,572, plus strand): 5'-TTGATAAGTGAATATAAGCAGCGTTCAAGGATCTCATCCTGGCTAATGGTACGTGGTTCA[A>G]TGTGATGGGTTTTTCTATACCGTGATAGGAATTTGGAAAGCCAGGGATCAGGTTTGTGAA-3'
Protein context (NP_001957.2, residues 599-619): FLSRYRKTHH[Ile609Thr]EPRTISQDEI

ClinVar aggregate classification (germline): Uncertain significance (1 of 4 stars; one submission).

Conditions:
EHHADH-related disorder. Also called: EHHADH-related condition.

gnomAD v4.1: 10 of 1,614,064 alleles (0.00062%); highest among the groups gnomAD compares: Admixed American, 0.0033%; no homozygotes.

Submission:

PreventionGenetics, part of Exact Sciences
Classification: Uncertain significance for EHHADH-related condition. Last evaluated: 2024-11-04. Review status: criteria provided, single submitter. Criteria: ACMG Guidelines, 2015. Collection method: clinical testing. Allele origin: germline.
Comment: The EHHADH c.1826T>C variant is predicted to result in the amino acid substitution p.Ile609Thr. To our knowledge, this variant has not been reported in the literature. This variant is reported in 0.0065% of alleles in individuals of South Asian descent in gnomAD. At this time, the clinical significance of this variant is uncertain due to the absence of conclusive functional and genetic evidence.